The following is an entry in ClinVar:

ClinVar aggregate classification (germline): Benign/Likely benign. Review status: criteria provided, multiple submitters, no conflicts (2 of 4 stars). 3 submissions from 3 submitters: Benign (1); Likely benign (1). 1 of the submissions does not count toward it. Last evaluated 2025-04-08.

Conditions:
PDE3A-related disorder. Also called: PDE3A-related condition.

Allele frequency attached by ClinVar (database versions not stated): ESP Exome Variant Server 0.00046; TOPMed 0.00057.
gnomAD v4.1: 721 of 1,610,750 alleles (0.045%); highest among the groups gnomAD compares: Admixed American, 0.055%; no homozygotes.

Submissions (3):

Labcorp Genetics (formerly Invitae), Labcorp
Classification: Benign. Last evaluated: 2025-04-08. Review status: criteria provided, single submitter. Criteria: Invitae Variant Classification Sherloc (09022015). Collection method: clinical testing. Allele origin: germline.

Blueprint Genetics
Classification: Likely benign. Last evaluated: 2024-11-13. Review status: criteria provided, single submitter. Criteria: ACMG Guidelines, 2015. Collection method: clinical testing. Allele origin: germline.

PreventionGenetics, part of Exact Sciences
Classification: Benign for PDE3A-related condition. Last evaluated: 2019-08-12. Review status: no assertion criteria provided. Collection method: clinical testing. Allele origin: germline. Not counted in ClinVar's aggregate classification.
Comment: This variant is classified as benign based on ACMG/AMP sequence variant interpretation guidelines (Richards et al. 2015 PMID: 25741868, with internal and published modifications).

NM_000921.5(PDE3A):c.1512T>C (p.His504=)

Gene: PDE3A (phosphodiesterase 3A; plus strand). Cytogenetic location: 12p12.2.
Variant type: single nucleotide variant.
Coding change: c.1512T>C on transcript NM_000921.5 (MANE Select); coding-DNA position 1512, T replaced by C.
Protein change: p.His504=; no amino-acid change (histidine 504 retained).
Molecular consequence: synonymous variant.
Genome position (GRCh38, 1-based): chr12:20,621,383, T>C. VCF-style: chr12-20621383-T-C. GRCh37 (hg19) VCF-style: chr12-20774317-T-C.
Other names: c.546T>C, p.His182= (NM_001244683.2, NM_001378409.1); c.1512T>C, p.His504= (NM_001378407.1); c.549T>C, p.His183= (NM_001378408.1).
Identifiers: ClinVar variation 709508 (VCV000709508.11), dbSNP rs116851432, ClinGen allele CA6473756.